The following is an entry in ClinVar:

NM_001987.5(ETV6):c.270T>A (p.Asn90Lys)

Genes: ETV6 (ETS variant transcription factor 6; plus strand), LOC126861451 (BRD4-independent group 4 enhancer GRCh37_chr12:11991350-11992549; plus strand). Cytogenetic location: 12p13.2.
Variant type: single nucleotide variant.
Coding change: c.270T>A on transcript NM_001987.5 (MANE Select); coding-DNA position 270, T replaced by A.
Protein change: p.Asn90Lys; replaces asparagine 90 with lysine.
Molecular consequence: missense variant.
Genome position (GRCh38, 1-based): chr12:11,839,246, T>A. VCF-style: chr12-11839246-T-A. GRCh37 (hg19) VCF-style: chr12-11992180-T-A.
Other names: c.267T>A, p.Asn89Lys (NM_001413913.1); c.243T>A, p.Asn81Lys (NM_001413914.1); c.6T>A, p.Asn2Lys (NM_001413915.1); c.270T>A, p.Asn90Lys (NM_001413916.1, NM_001413917.1, NM_001413918.1); short protein forms N81K, N2K, N89K, N90K.
Identifiers: ClinVar variation 5036191 (VCV005036191.1).

ClinVar aggregate classification (germline): Uncertain significance (1 of 4 stars; one submission).

Conditions:
Inborn genetic diseases. Identifiers: MedGen C0950123, MeSH D030342.

Submission:

Ambry Genetics
Classification: Uncertain significance for Inborn genetic diseases. Last evaluated: 2026-07-07. Review status: criteria provided, single submitter. Criteria: Ambry Variant Classification Scheme 2023. Collection method: clinical testing. Allele origin: germline.
Comment: The p.N90K variant (also known as c.270T>A), located in coding exon 3 of the ETV6 gene, results from a T to A substitution at nucleotide position 270. The asparagine at codon 90 is replaced by lysine, an amino acid with similar properties. This amino acid position is conserved. In addition, this alteration is predicted to be tolerated by in silico analysis. Based on the available evidence, the clinical significance of this variant remains unclear.